The following is an entry in ClinVar:

NM_006206.6(PDGFRA):c.386T>A (p.Val129Glu)

Gene: PDGFRA (platelet derived growth factor receptor alpha; plus strand). Cytogenetic location: 4q12.
Variant type: single nucleotide variant.
Coding change: c.386T>A on transcript NM_006206.6 (MANE Select); coding-DNA position 386, T replaced by A.
Protein change: p.Val129Glu; replaces valine 129 with glutamic acid.
Molecular consequence: missense variant.
Genome position (GRCh38, 1-based): chr4:54,263,685, T>A. VCF-style: chr4-54263685-T-A. GRCh37 (hg19) VCF-style: chr4-55129852-T-A.
Other names: c.386T>A, p.Val129Glu (NM_001347827.2, NM_001347829.2); c.461T>A, p.Val154Glu (NM_001347828.2); c.425T>A, p.Val142Glu (NM_001347830.2); short protein forms V129E, V154E, V142E.
Identifiers: ClinVar variation 5026454 (VCV005026454.1).
Genomic context (GRCh38, chr4:54,263,685, plus strand): 5'-AATTAATGTCTAATAGAGTCTTCATTCTTTTTTAAACCACAGACCCAGATGTAGCCTTTG[T>A]ACCTCTAGGAATGACGGATTATTTAGTCATCGTGGAGGATGATGATTCTGCCATTATACC-3'
Protein context (NP_006197.1, residues 119-139): IYVPDPDVAF[Val129Glu]PLGMTDYLVI

ClinVar aggregate classification (germline): Uncertain significance (1 of 4 stars; one submission).

Conditions:
Hereditary cancer-predisposing syndrome. Also called: Neoplastic Syndromes, Hereditary; Tumor predisposition; Hereditary neoplastic syndrome; Hereditary Cancer Syndrome. Identifiers: Orphanet 140162, MedGen C0027672, MeSH D009386, MONDO:0015356.

Submission:

Ambry Genetics
Classification: Uncertain significance for Hereditary cancer-predisposing syndrome. Last evaluated: 2026-08-28. Review status: criteria provided, single submitter. Criteria: Ambry Variant Classification Scheme 2023. Collection method: clinical testing. Allele origin: germline.
Comment: The p.V129E variant (also known as c.386T>A), located in coding exon 3 of the PDGFRA gene, results from a T to A substitution at nucleotide position 386. The valine at codon 129 is replaced by glutamic acid, an amino acid with dissimilar properties. This amino acid position is conserved. In addition, this alteration is predicted to be tolerated by in silico analysis. Based on the available evidence, the clinical significance of this variant remains unclear.